The following is an entry in ClinVar:

ClinVar aggregate classification (germline): Pathogenic (1 of 4 stars; one submission).

Conditions:
Ehlers-Danlos syndrome, dermatosparaxis type. Also called: EDS VIIC; Dermatosparaxis; Ehlers-Danlos syndrome, type VII, autosomal recessive. Identifiers: Orphanet 1901, MedGen C2700425, MONDO:0009161, OMIM 225410.

Submission:

Myriad Genetics, Inc.
Classification: Pathogenic for Ehlers-Danlos syndrome, dermatosparaxis type. Last evaluated: 2024-05-14. Review status: criteria provided, single submitter. Criteria: Myriad Autosomal Dominant, Autosomal Recessive and X-Linked Classification Criteria (2023). Collection method: clinical testing. Allele origin: unknown.
Comment: NM_014244.4(ADAMTS2):c.106_107ins13(N36Tfs*34) is expected to be pathogenic in the context of Ehlers-Danlos syndrome, ADAMTS2-related. This variant is predicted to lead to an abnormal or absent protein product due to the creation of a premature termination codon in ADAMTS2, a gene where loss-of-function variants are known to be pathogenic. Please note: this variant was assessed in the context of healthy population screening.

NM_014244.5(ADAMTS2):c.106_107insCTGTCTCTTATAC (p.Asn36fs)

Gene: ADAMTS2 (ADAM metallopeptidase with thrombospondin type 1 motif 2; minus strand). Cytogenetic location: 5q35.3.
Variant type: Insertion.
Coding change: c.106_107insCTGTCTCTTATAC on transcript NM_014244.5 (MANE Select); coding-DNA positions 106 to 107, CTGTCTCTTATAC inserted.
Protein change: p.Asn36fs; shifts the reading frame from asparagine 36.
Molecular consequence: frameshift variant.
Genome position: GRCh38 VCF-style: chr5-179345222-T-TGTATAAGAGACAG. GRCh37 (hg19) VCF-style: chr5-178772223-T-TGTATAAGAGACAG.
Other names: c.106_107insCTGTCTCTTATAC, p.Asn36fs (NM_021599.4); short protein forms N36fs.
Identifiers: ClinVar variation 5010615 (VCV005010615.1).
Genomic context (GRCh38, chr5:179,345,222, plus strand): 5'-CGGGGAGTAGGGGCCGGGCCGCACCTACCTGGGGGGTCGGCGGCGGCGGCGAGCCTGGCG[T>TGTATAAGAGACAG]TCGCGGGCGGCGGCGGCGGCGGCAGGAGCGGCGGCGGCAGCAGCAGCAGCAGCAGCAGCA-3'